The following is an entry in ClinVar:

NM_002578.5(PAK3):c.601-3dup

Gene: PAK3 (p21 (RAC1) activated kinase 3; plus strand). Cytogenetic location: Xq23.
Variant type: Duplication.
Coding change: c.601-3dup on transcript NM_002578.5 (MANE Select); 3 bases into the intron before coding-DNA position 601, one base duplicated (T; older notation c.601-3dupT).
Molecular consequence: intron variant.
Genome position (GRCh38, 1-based): chrX:111,163,559, T duplicated; the last of 7 consecutive T bases (chrX:111,163,553-111,163,559); duplicating any one gives the same sequence. VCF-style (leftmost placement, unchanged base first): chrX-111163552-G-GT. GRCh37 (hg19) VCF-style: chrX-110406780-G-GT.
Other names: c.601-3dup (NM_001128166.3, NM_001324325.2, NM_001324330.2 and 5 more transcripts); c.709-3dup (NM_001128168.3); c.646-3dup (NM_001128173.3, NM_001324329.2, NM_001324327.2 and 2 more transcripts); c.664-3dup (NM_001128172.2); c.601-3dupT (NM_002578.4).
Identifiers: ClinVar variation 367716 (VCV000367716.7), dbSNP rs768803846, ClinGen allele CA10492681.

ClinVar aggregate classification (germline): Likely benign (0 of 4 stars; one submission).

Conditions:
PAK3-related disorder. Also called: PAK3-related condition.

Submission:

PreventionGenetics, part of Exact Sciences
Classification: Likely benign for PAK3-related condition. Last evaluated: 2020-01-03. Review status: no assertion criteria provided. Collection method: clinical testing. Allele origin: germline.
Comment: This variant is classified as likely benign based on ACMG/AMP sequence variant interpretation guidelines (Richards et al. 2015 PMID: 25741868, with internal and published modifications).